The following is an entry in ClinVar:

NM_001202.6(BMP4):c.514G>A (p.Glu172Lys)

Gene: BMP4 (bone morphogenetic protein 4; minus strand). Cytogenetic location: 14q22.2.
Variant type: single nucleotide variant.
Coding change: c.514G>A on transcript NM_001202.6 (MANE Select); coding-DNA position 514, G replaced by A.
Protein change: p.Glu172Lys; replaces glutamic acid 172 with lysine.
Molecular consequence: missense variant.
Genome position (GRCh38, 1-based): chr14:53,950,745, C>T on the plus strand (G>A on the coding strand, the complement: BMP4 is on the minus strand). VCF-style: chr14-53950745-C-T. GRCh37 (hg19) VCF-style: chr14-54417463-C-T.
Other names: c.655G>A, p.Glu219Lys (NM_001347912.1); c.325G>A, p.Glu109Lys (NM_001347913.2, NM_001347915.2, NM_001347917.1); c.514G>A, p.Glu172Lys (NM_001347914.2, NM_001347916.1, NM_130850.5 and 1 more transcripts); short protein forms E109K, E172K, E219K.
Identifiers: ClinVar variation 4978007 (VCV004978007.1).

ClinVar aggregate classification (germline): Likely benign (1 of 4 stars; one submission).

Conditions:
BMP4-related disorder. Also called: BMP4-related condition.

Submission:

PreventionGenetics, part of Exact Sciences
Classification: Likely benign for BMP4-related condition. Last evaluated: 2025-05-09. Review status: criteria provided, single submitter. Criteria: ACMG Guidelines, 2015. Collection method: clinical testing. Allele origin: germline.
Comment: This variant is classified as likely benign based on ACMG/AMP sequence variant interpretation guidelines (Richards et al. 2015 PMID: 25741868, with internal and published modifications).